The following is an entry in ClinVar:

NM_005359.6(SMAD4):c.11T>C (p.Met4Thr)

Gene: SMAD4 (SMAD family member 4; plus strand). Cytogenetic location: 18q21.2.
Variant type: single nucleotide variant.
Coding change: c.11T>C on transcript NM_005359.6 (MANE Select); coding-DNA position 11, T replaced by C.
Protein change: p.Met4Thr; replaces methionine 4 with threonine.
Molecular consequence: missense variant.
Genome position (GRCh38, 1-based): chr18:51,047,057, T>C. VCF-style: chr18-51047057-T-C. GRCh37 (hg19) VCF-style: chr18-48573427-T-C.
Other names: short protein forms M4T.
Identifiers: ClinVar variation 1365152 (VCV001365152.8), dbSNP rs2144400196, ClinGen allele CA402457213.

ClinVar aggregate classification (germline): Uncertain significance (1 of 4 stars; one submission).

Conditions:
Juvenile polyposis syndrome (JPS). Identifiers: Orphanet 2929, MedGen C0345893, MONDO:0017380, OMIM 174900.

Submission:

Labcorp Genetics (formerly Invitae), Labcorp
Classification: Uncertain significance for Juvenile polyposis syndrome. Last evaluated: 2021-07-02. Review status: criteria provided, single submitter. Criteria: Invitae Variant Classification Sherloc (09022015). Collection method: clinical testing. Allele origin: germline.
Comment: This sequence change replaces methionine with threonine at codon 4 of the SMAD4 protein (p.Met4Thr). The methionine residue is highly conserved and there is a moderate physicochemical difference between methionine and threonine. In summary, the available evidence is currently insufficient to determine the role of this variant in disease. Therefore, it has been classified as a Variant of Uncertain Significance. Algorithms developed to predict the effect of missense changes on protein structure and function are either unavailable or do not agree on the potential impact of this missense change (SIFT: "Deleterious"; PolyPhen-2: "Benign"; Align-GVGD: "Class C25"). This variant has not been reported in the literature in individuals affected with SMAD4-related conditions. This variant is not present in population databases (ExAC no frequency).